The following is an entry in ClinVar:

ClinVar aggregate classification (germline): Uncertain significance (1 of 4 stars; one submission).

Conditions:
Hereditary cancer-predisposing syndrome. Also called: Tumor predisposition; Hereditary neoplastic syndrome; Neoplastic Syndromes, Hereditary; Hereditary Cancer Syndrome. Identifiers: Orphanet 140162, MedGen C0027672, MeSH D009386, MONDO:0015356.

Submission:

Ambry Genetics
Classification: Uncertain significance for Hereditary cancer-predisposing syndrome. Last evaluated: 2025-06-08. Review status: criteria provided, single submitter. Criteria: Ambry Variant Classification Scheme 2023. Collection method: clinical testing. Allele origin: germline.
Comment: The p.A270S variant (also known as c.808G>T), located in coding exon 8 of the CDC73 gene, results from a G to T substitution at nucleotide position 808. The alanine at codon 270 is replaced by serine, an amino acid with similar properties. This amino acid position is conserved. In addition, this alteration is predicted to be tolerated by in silico analysis. Based on the available evidence, the clinical significance of this variant remains unclear.

NM_024529.5(CDC73):c.808G>T (p.Ala270Ser)

Gene: CDC73 (cell division cycle 73; plus strand). Cytogenetic location: 1q31.2.
Variant type: single nucleotide variant.
Coding change: c.808G>T on transcript NM_024529.5 (MANE Select); coding-DNA position 808, G replaced by T.
Protein change: p.Ala270Ser; replaces alanine 270 with serine.
Molecular consequence: missense variant.
Genome position (GRCh38, 1-based): chr1:193,147,945, G>T. VCF-style: chr1-193147945-G-T. GRCh37 (hg19) VCF-style: chr1-193117075-G-T.
Other names: short protein forms A270S.
Identifiers: ClinVar variation 3998694 (VCV003998694.1).